The following is an entry in ClinVar:

ClinVar aggregate classification (germline): Uncertain significance (1 of 4 stars; one submission).

Conditions:
Neuropathy, hereditary sensory, type 2C. Also called: KIF1A-Related HSAN2 (HSAN2C); Hereditary sensory and autonomic neuropathy type IIC. Identifiers: Orphanet 970, MedGen C3280168, MONDO:0013634, OMIM 614213.
Intellectual disability, autosomal dominant 9 (NESCAVS). Also called: NESCAV SYNDROME; KIF1A-Related Neurodevelopmental Disorder. Identifiers: Orphanet 662367, MedGen C5393830, MONDO:0013656, OMIM 614255.
Hereditary spastic paraplegia 30. Identifiers: Orphanet 101010, MedGen C5235139, MONDO:0012476.

Submission:

Labcorp Genetics (formerly Invitae), Labcorp
Classification: Uncertain significance for Hereditary spastic paraplegia 30; Neuropathy, hereditary sensory, type 2C; Intellectual disability, autosomal dominant 9. Last evaluated: 2017-12-19. Review status: criteria provided, single submitter. Criteria: Invitae Variant Classification Sherloc (09022015). Collection method: clinical testing. Allele origin: germline.
Comment: This sequence change replaces glycine with glutamic acid at codon 549 of the KIF1A protein (p.Gly549Glu). The glycine residue is moderately conserved and there is a moderate physicochemical difference between glycine and glutamic acid. This variant is not present in population databases (ExAC no frequency). This variant has not been reported in the literature in individuals with KIF1A-related disease. Algorithms developed to predict the effect of missense changes on protein structure and function do not agree on the potential impact of this missense change (SIFT: "Deleterious"; PolyPhen-2: "Benign"; Align-GVGD: "Class C0"). In summary, the available evidence is currently insufficient to determine the role of this variant in disease. Therefore, it has been classified as a Variant of Uncertain Significance.

NM_001244008.2(KIF1A):c.1673G>A (p.Gly558Glu)

Gene: KIF1A (kinesin family member 1A; minus strand). Cytogenetic location: 2q37.3.
Variant type: single nucleotide variant.
Coding change: c.1673G>A on transcript NM_001244008.2 (MANE Select); coding-DNA position 1673, G replaced by A.
Protein change: p.Gly558Glu; replaces glycine 558 with glutamic acid.
Molecular consequence: missense variant.
Genome position (GRCh38, 1-based): chr2:240,766,926, C>T on the plus strand (G>A on the coding strand, the complement: KIF1A is on the minus strand). VCF-style: chr2-240766926-C-T. GRCh37 (hg19) VCF-style: chr2-241706343-C-T.
Other names: c.1673G>A, p.Gly558Glu (NM_001320705.2, NM_001330289.2, NM_001379638.1); c.1748G>A, p.Gly583Glu (NM_001330290.2, NM_001379631.1, NM_001379634.1 and 2 more transcripts); c.1646G>A, p.Gly549Glu (NM_001379632.1, NM_001379633.1, NM_001379636.1 and 10 more transcripts); c.1721G>A, p.Gly574Glu (NM_001379637.1, NM_001379648.1); short protein forms G549E, G558E, G583E, G574E.
Identifiers: ClinVar variation 532864 (VCV000532864.1), dbSNP rs1553634474, ClinGen allele CA351327997.